The following is an entry in ClinVar:

ClinVar aggregate classification (germline): Uncertain significance (1 of 4 stars; one submission).

Allele frequency attached by ClinVar (database versions not stated): TOPMed 0.00001; gnomAD exomes 0.00002; ESP Exome Variant Server 0.00009.
gnomAD v4.1: 24 of 1,211,614 alleles (0.002%); highest among the groups gnomAD compares: Admixed American, 0.0065%; no homozygotes.

Submission:

Labcorp Genetics (formerly Invitae), Labcorp
Classification: Uncertain significance. Last evaluated: 2023-05-13. Review status: criteria provided, single submitter. Criteria: Invitae Variant Classification Sherloc (09022015). Collection method: clinical testing. Allele origin: germline.
Comment: In summary, the available evidence is currently insufficient to determine the role of this variant in disease. Therefore, it has been classified as a Variant of Uncertain Significance. Algorithms developed to predict the effect of sequence changes on RNA splicing suggest that this variant may disrupt the consensus splice site. This variant has not been reported in the literature in individuals affected with HUWE1-related conditions. The frequency data for this variant in the population databases is considered unreliable, as metrics indicate poor data quality at this position in the gnomAD database. This sequence change affects codon 3128 of the HUWE1 mRNA. It is a 'silent' change, meaning that it does not change the encoded amino acid sequence of the HUWE1 protein. It affects a nucleotide within the consensus splice site.

NM_031407.7(HUWE1):c.9384G>A (p.Pro3128=)

Gene: HUWE1 (HECT, UBA and WWE domain containing E3 ubiquitin protein ligase 1; minus strand). Cytogenetic location: Xp11.22.
Variant type: single nucleotide variant.
Coding change: c.9384G>A on transcript NM_031407.7 (MANE Select); coding-DNA position 9384, G replaced by A.
Protein change: p.Pro3128=; no amino-acid change (proline 3128 retained).
Molecular consequence: synonymous variant.
Genome position (GRCh38, 1-based): chrX:53,550,902, C>T on the plus strand (G>A on the coding strand, the complement: HUWE1 is on the minus strand). VCF-style: chrX-53550902-C-T. GRCh37 (hg19) VCF-style: chrX-53577863-C-T.
Identifiers: ClinVar variation 2894218 (VCV002894218.3), dbSNP rs374568939, ClinGen allele CA329187739.